The following is an entry in ClinVar:

NM_020812.4(DOCK6):c.2969C>T (p.Ala990Val)

Gene: DOCK6 (dedicator of cytokinesis 6; minus strand). Cytogenetic location: 19p13.2.
Variant type: single nucleotide variant.
Coding change: c.2969C>T on transcript NM_020812.4 (MANE Select); coding-DNA position 2969, C replaced by T.
Protein change: p.Ala990Val; replaces alanine 990 with valine.
Molecular consequence: missense variant.
Genome position (GRCh38, 1-based): chr19:11,223,093, G>A on the plus strand (C>T on the coding strand, the complement: DOCK6 is on the minus strand). VCF-style: chr19-11223093-G-A. GRCh37 (hg19) VCF-style: chr19-11333769-G-A.
Other names: c.3074C>T, p.Ala1025Val (NM_001367830.1); short protein forms A1025V, A990V.
Identifiers: ClinVar variation 1369564 (VCV001369564.3), dbSNP rs748650688, ClinGen allele CA9207405.

ClinVar aggregate classification (germline): Uncertain significance (1 of 4 stars; one submission).

Allele frequency attached by ClinVar (database versions not stated): gnomAD 0.00001; gnomAD exomes 0.00001 and 0.00002; TOPMed 0.00001; ExAC 0.00002.
gnomAD v4.1: 13 of 1,613,144 alleles (0.00081%); highest among the groups gnomAD compares: East Asian, 0.011%; no homozygotes.

Submission:

Labcorp Genetics (formerly Invitae), Labcorp
Classification: Uncertain significance. Last evaluated: 2022-08-08. Review status: criteria provided, single submitter. Criteria: Invitae Variant Classification Sherloc (09022015). Collection method: clinical testing. Allele origin: germline.
Comment: This sequence change replaces alanine, which is neutral and non-polar, with valine, which is neutral and non-polar, at codon 990 of the DOCK6 protein (p.Ala990Val). This variant is present in population databases (rs748650688, gnomAD 0.02%). This variant has not been reported in the literature in individuals affected with DOCK6-related conditions. ClinVar contains an entry for this variant (Variation ID: 1369564). Algorithms developed to predict the effect of missense changes on protein structure and function are either unavailable or do not agree on the potential impact of this missense change (SIFT: "Deleterious"; PolyPhen-2: "Benign"; Align-GVGD: "Class C0"). In summary, the available evidence is currently insufficient to determine the role of this variant in disease. Therefore, it has been classified as a Variant of Uncertain Significance.